The following is an entry in ClinVar:

NM_000481.4(AMT):c.1145G>A (p.Arg382Gln)

Gene: AMT (aminomethyltransferase; minus strand). Cytogenetic location: 3p21.31.
Variant type: single nucleotide variant.
Coding change: c.1145G>A on transcript NM_000481.4 (MANE Select); coding-DNA position 1145, G replaced by A.
Protein change: p.Arg382Gln; replaces arginine 382 with glutamine.
Molecular consequence: missense variant. On other transcripts: non-coding transcript variant (1), intron variant (1).
Genome position (GRCh38, 1-based): chr3:49,417,607, C>T on the plus strand (G>A on the coding strand, the complement: AMT is on the minus strand). VCF-style: chr3-49417607-C-T. GRCh37 (hg19) VCF-style: chr3-49455040-C-T.
Other names: c.1013G>A, p.Arg338Gln (NM_001164710.2); c.977G>A, p.Arg326Gln (NM_001164711.2); c.1137+8G>A (NM_001164712.2); short protein forms R382Q, R326Q, R338Q.
Identifiers: ClinVar variation 235658 (VCV000235658.20), dbSNP rs141246107, ClinGen allele CA2398133.

ClinVar aggregate classification (germline): Conflicting classifications of pathogenicity. Review status: criteria provided, conflicting classifications (1 of 4 stars). 7 submissions from 7 submitters: Uncertain significance (1); Benign (1); Likely benign (3). 2 of the submissions do not count toward it. Last evaluated 2026-02-02.

Conditions:
AMT-related disorder. Also called: AMT-related condition.
Glycine encephalopathy. Also called: Non-ketotic hyperglycinemia; Nonketotic hyperglycinemia. Identifiers: Orphanet 407, MedGen C0751748, MONDO:0011612, HP:0008288.

Allele frequency attached by ClinVar (database versions not stated): gnomAD exomes 0.00023 and 0.00075; ExAC 0.00093; 1000 Genomes Project 30x 0.00250; 1000 Genomes Project 0.00280; gnomAD 0.00280 and 0.00299; TOPMed 0.00322; ESP Exome Variant Server 0.00392.

Submissions (7):

Labcorp Genetics (formerly Invitae), Labcorp
Classification: Benign for Glycine encephalopathy. Last evaluated: 2026-02-02. Review status: criteria provided, single submitter. Criteria: Invitae Variant Classification Sherloc (09022015). Collection method: clinical testing. Allele origin: germline.

Blueprint Genetics
Classification: Likely benign. Last evaluated: 2024-10-18. Review status: criteria provided, single submitter. Criteria: ACMG Guidelines, 2015. Collection method: clinical testing. Allele origin: germline.

Illumina Laboratory Services, Illumina
Classification: Likely benign for Glycine encephalopathy 1. Last evaluated: 2018-03-06. Review status: criteria provided, single submitter. Criteria: ICSL Variant Classification Criteria 13 December 2019. Collection method: clinical testing. Allele origin: germline.
Comment: This variant was observed in the ICSL laboratory as part of a predisposition screen in an ostensibly healthy population. It had not been previously curated by ICSL or reported in the Human Gene Mutation Database (HGMD: prior to June 1st, 2018), and was therefore a candidate for classification through an automated scoring system. Utilizing variant allele frequency, disease prevalence and penetrance estimates, and inheritance mode, an automated score was calculated to assess if this variant is too frequent to cause the disease. Based on the score and internal cut-off values, a variant classified as likely benign is not then subjected to further curation. The score for this variant resulted in a classification of likely benign for this disease.

Genomic Diagnostic Laboratory, Division of Genomic Diagnostics, Children's Hospital of Philadelphia
Classification: Uncertain significance. Last evaluated: 2015-10-12. Review status: criteria provided, single submitter. Criteria: DGD Variant Analysis Guidelines. Collection method: clinical testing. Allele origin: unknown.

Center for Pediatric Genomic Medicine, Children's Mercy Hospital and Clinics
Classification: Likely benign. Last evaluated: 2015-09-28. Review status: criteria provided, single submitter. Criteria: ACMG Guidelines, 2015. Collection method: clinical testing. Allele origin: germline.
ClinVar note: Converted during submission from Likely Benign to Likely benign.

PreventionGenetics, part of Exact Sciences
Classification: Benign for AMT-related condition. Last evaluated: 2024-08-20. Review status: no assertion criteria provided. Collection method: clinical testing. Allele origin: germline. Not counted in ClinVar's aggregate classification.
Comment: This variant is classified as benign based on ACMG/AMP sequence variant interpretation guidelines (Richards et al. 2015 PMID: 25741868, with internal and published modifications).

Natera, Inc.
Classification: Benign for Non-ketotic hyperglycinemia. Last evaluated: 2019-11-11. Review status: no assertion criteria provided. Collection method: clinical testing. Allele origin: germline. Not counted in ClinVar's aggregate classification.